The following is an entry in ClinVar:

ClinVar aggregate classification (germline): Uncertain significance (1 of 4 stars; one submission).

Allele frequency attached by ClinVar (database versions not stated): gnomAD exomes 0.00001; ExAC 0.00002; TOPMed 0.00002.
gnomAD v4.1: 9 of 1,613,204 alleles (0.00056%); highest among the groups gnomAD compares: African/African-American, 0.0013%; no homozygotes.

Submission:

Labcorp Genetics (formerly Invitae), Labcorp
Classification: Uncertain significance. Last evaluated: 2021-12-30. Review status: criteria provided, single submitter. Criteria: Invitae Variant Classification Sherloc (09022015). Collection method: clinical testing. Allele origin: germline.
Comment: This sequence change falls in intron 7 of the EIF2B4 gene. It does not directly change the encoded amino acid sequence of the EIF2B4 protein. It affects a nucleotide within the consensus splice site. This variant is present in population databases (rs770476312, gnomAD 0.002%). This variant has not been reported in the literature in individuals affected with EIF2B4-related conditions. Variants that disrupt the consensus splice site are a relatively common cause of aberrant splicing (PMID: 17576681, 9536098). Algorithms developed to predict the effect of sequence changes on RNA splicing suggest that this variant is not likely to affect RNA splicing. In summary, the available evidence is currently insufficient to determine the role of this variant in disease. Therefore, it has been classified as a Variant of Uncertain Significance.

Literature cited by the submitters: PubMed 17576681; PubMed 9536098.

NM_001034116.2(EIF2B4):c.706-3T>C

Genes: EIF2B4 (eukaryotic translation initiation factor 2B subunit delta; minus strand), GTF3C2-AS2 (GTF3C2 antisense RNA 2; plus strand). Cytogenetic location: 2p23.3.
Variant type: single nucleotide variant.
Coding change: c.706-3T>C on transcript NM_001034116.2 (MANE Select); 3 bases into the intron before coding-DNA position 706, T replaced by C.
Molecular consequence: intron variant.
Genome position (GRCh38, 1-based): chr2:27,367,825, A>G on the plus strand (T>C on the coding strand, the complement: EIF2B4 is on the minus strand). VCF-style: chr2-27367825-A-G. GRCh37 (hg19) VCF-style: chr2-27590692-A-G.
Other names: c.613-3T>C (NM_001318967.2); c.703-3T>C (NM_015636.4); c.88-3T>C (NM_001318969.2); c.661-3T>C (NM_001318966.2); c.766-3T>C (NM_172195.4); c.121-3T>C (NM_001318968.2); c.769-3T>C (NM_001318965.2).
Identifiers: ClinVar variation 2171822 (VCV002171822.1), dbSNP rs770476312, ClinGen allele CA1576804.